The following is an entry in ClinVar:

NM_000059.4(BRCA2):c.8866G>A (p.Glu2956Lys)

Gene: BRCA2 (BRCA2 DNA repair associated; plus strand). Cytogenetic location: 13q13.1.
Variant type: single nucleotide variant.
Coding change: c.8866G>A on transcript NM_000059.4 (MANE Select); coding-DNA position 8866, G replaced by A.
Protein change: p.Glu2956Lys; replaces glutamic acid 2956 with lysine.
Molecular consequence: missense variant.
Genome position (GRCh38, 1-based): chr13:32,379,428, G>A. VCF-style: chr13-32379428-G-A. GRCh37 (hg19) VCF-style: chr13-32953565-G-A.
Other names: short protein forms E2956K.
Identifiers: ClinVar variation 479390 (VCV000479390.6), dbSNP rs142040996, ClinGen allele CA387756360.

ClinVar aggregate classification (germline): Uncertain significance (1 of 4 stars; one submission).

Conditions:
Hereditary cancer-predisposing syndrome. Also called: Neoplastic Syndromes, Hereditary; Hereditary Cancer Syndrome; Hereditary neoplastic syndrome; Tumor predisposition. Identifiers: Orphanet 140162, MedGen C0027672, MeSH D009386, MONDO:0015356.

Submission:

Ambry Genetics
Classification: Uncertain significance for Hereditary cancer-predisposing syndrome. Last evaluated: 2025-08-19. Review status: criteria provided, single submitter. Criteria: Ambry Variant Classification Scheme 2023. Collection method: clinical testing. Allele origin: germline.
Comment: The p.E2956K variant (also known as c.8866G>A), located in coding exon 21 of the BRCA2 gene, results from a G to A substitution at nucleotide position 8866. The glutamic acid at codon 2956 is replaced by lysine, an amino acid with similar properties. The results from two saturation genome editing-based studies, including a haploid cell-survival assay and a humanized mouse embryonic stem cell line assay of drug response and survival, are indeterminate for this nucleotide substitution (Huang H et al. Nature. 2025 Feb;638(8050):528-537; Sahu S et al. Nature. 2025 Feb;638(8050):538-545). This amino acid position is well conserved in available vertebrate species. In addition, the in silico prediction for this alteration is inconclusive. Based on the available evidence, the clinical significance of this variant remains unclear.